The following is an entry in ClinVar:

NC_000010.10:g.(?_14977452)_(14978602_?)del

Gene: DCLRE1C (DNA cross-link repair 1C; minus strand). Cytogenetic location: 10p13.
Variant type: Deletion.
Identifiers: ClinVar variation 1406894 (VCV001406894.6).

ClinVar aggregate classification (germline): Pathogenic (1 of 4 stars; one submission).

Conditions:
Severe combined immunodeficiency due to DCLRE1C deficiency (RS-SCID). Also called: SCID, AUTOSOMAL RECESSIVE, T CELL-NEGATIVE, B CELL-NEGATIVE, NK CELL-POSITIVE, WITH SENSITIVITY TO IONIZING RADIATION. Identifiers: Orphanet 275, MedGen C1865371, MONDO:0011225, OMIM 602450.

Submission:

Labcorp Genetics (formerly Invitae), Labcorp
Classification: Pathogenic for Athabaskan severe combined immunodeficiency. Last evaluated: 2021-03-10. Review status: criteria provided, single submitter. Criteria: Invitae Variant Classification Sherloc (09022015). Collection method: clinical testing. Allele origin: germline.
Comment: This variant has been observed in combination with another DCLRE1C variant in an individual affected with human severe combined immune deficiency¬†(PMID:¬†11336668). This variant is an out-of-frame deletion of the genomic region encompassing exons 5-6 of the DCLRE1C gene. This is expected to create a premature translational stop signal and result in an absent or disrupted protein product. Loss-of-function variants in DCLRE1C are known to be pathogenic (PMID: 21664875, 26123418). For these reasons, this variant has been classified as Pathogenic.

Literature cited by the submitters: PubMed 21664875; PubMed 26123418.